The following is an entry in ClinVar:

NM_015046.7(SETX):c.1103C>T (p.Ser368Phe)

Gene: SETX (senataxin; minus strand). Cytogenetic location: 9q34.13.
Variant type: single nucleotide variant.
Coding change: c.1103C>T on transcript NM_015046.7 (MANE Select); coding-DNA position 1103, C replaced by T.
Protein change: p.Ser368Phe; replaces serine 368 with phenylalanine.
Molecular consequence: missense variant.
Genome position (GRCh38, 1-based): chr9:132,330,495, G>A on the plus strand (C>T on the coding strand, the complement: SETX is on the minus strand). VCF-style: chr9-132330495-G-A. GRCh37 (hg19) VCF-style: chr9-135205882-G-A.
Other names: c.1103C>T, p.Ser368Phe (NM_001351527.2, NM_001351528.2); short protein forms S368F.
Identifiers: ClinVar variation 1793046 (VCV001793046.3), dbSNP rs750687631, ClinGen allele CA200814607.
Genomic context (GRCh38, chr9:132,330,495, plus strand): 5'-GTTTCCATTTCTTCATACATGTTAGGACAATAATCTGGGCAAATGGCTGTTCTCCATCCA[G>A]AATCCTAAAATGAAAGAAATGCTGATGTTCAGATAAATAAGCACCACTTATGACAGGTTC-3'
Protein context (NP_055861.3, residues 358-378): NYNPEKTKKD[Ser368Phe]GWRTAICPDY

ClinVar aggregate classification (germline): Uncertain significance. Review status: criteria provided, multiple submitters, no conflicts (2 of 4 stars). 2 submissions from 2 submitters: Uncertain significance (2). Last evaluated 2025-06-10.

Conditions:
Inborn genetic diseases. Identifiers: MedGen C0950123, MeSH D030342.

Allele frequency attached by ClinVar (database versions not stated): gnomAD exomes below 0.00001.
gnomAD v4.1: 7 of 1,611,736 alleles (0.00043%); highest among the groups gnomAD compares: Non-Finnish European, 0.00059%; no homozygotes.

Submissions (2):

Athena Diagnostics
Classification: Uncertain significance. Last evaluated: 2025-06-10. Review status: criteria provided, single submitter. Criteria: Athena Diagnostics Criteria. Collection method: clinical testing. Allele origin: unknown.
Comment: Available data are insufficient to determine the clinical significance of the variant at this time. The frequency of this variant in the general population is uninformative in assessment of its pathogenicity. Polyphen and MutationTaster yielded discordant predictions regarding whether this amino acid change is damaging to the protein.

Ambry Genetics
Classification: Uncertain significance for Inborn genetic diseases. Last evaluated: 2021-02-03. Review status: criteria provided, single submitter. Criteria: Ambry Variant Classification Scheme 2023. Collection method: clinical testing. Allele origin: germline.
Comment: The p.S368F variant (also known as c.1103C>T), located in coding exon 8 of the SETX gene, results from a C to T substitution at nucleotide position 1103. The serine at codon 368 is replaced by phenylalanine, an amino acid with highly dissimilar properties. This amino acid position is not well conserved in available vertebrate species. In addition, this alteration is predicted to be tolerated by in silico analysis. Since supporting evidence is limited at this time, the clinical significance of this alteration remains unclear.